The following is an entry in ClinVar:

ClinVar aggregate classification (germline): Uncertain significance. Review status: criteria provided, multiple submitters, no conflicts (2 of 4 stars). 4 submissions from 4 submitters: Uncertain significance (4). Last evaluated 2026-03-12.

Conditions:
Aortic aneurysm, familial thoracic 4 (AAT4). Also called: AORTIC ANEURYSM/AORTIC DISSECTION AND PATENT DUCTUS ARTERIOSUS. Identifiers: MedGen C1851504, MONDO:0007568, OMIM 132900.
Familial thoracic aortic aneurysm and aortic dissection (TAAD). Also called: Thoracic aortic aneurysms and dissections. Identifiers: Orphanet 91387, MedGen C4707243, MONDO:0019625.

Allele frequency attached by ClinVar (database versions not stated): gnomAD exomes below 0.00001; gnomAD 0.00001.

Submissions (4):

GeneDx
Classification: Uncertain significance. Last evaluated: 2026-03-12. Review status: criteria provided, single submitter. Criteria: GeneDx Variant Classification Process June 2021. Collection method: clinical testing. Allele origin: germline.
Comment: Not observed at significant frequency in large population cohorts (gnomAD); In silico analysis supports that this missense variant has a deleterious effect on protein structure/function; Has not been previously published as pathogenic or benign to our knowledge

Labcorp Genetics (formerly Invitae), Labcorp
Classification: Uncertain significance for Aortic aneurysm, familial thoracic 4. Last evaluated: 2025-06-15. Review status: criteria provided, single submitter. Criteria: Invitae Variant Classification Sherloc (09022015). Collection method: clinical testing. Allele origin: germline.
Comment: This sequence change replaces lysine, which is basic and polar, with arginine, which is basic and polar, at codon 421 of the MYH11 protein (p.Lys421Arg). This variant is not present in population databases (gnomAD no frequency). This variant has not been reported in the literature in individuals affected with MYH11-related conditions. ClinVar contains an entry for this variant (Variation ID: 982843). Invitae Evidence Modeling of protein sequence and biophysical properties (such as structural, functional, and spatial information, amino acid conservation, physicochemical variation, residue mobility, and thermodynamic stability) indicates that this missense variant is not expected to disrupt MYH11 protein function with a negative predictive value of 95%. In summary, the available evidence is currently insufficient to determine the role of this variant in disease. Therefore, it has been classified as a Variant of Uncertain Significance.

All of Us Research Program, National Institutes of Health
Classification: Uncertain significance for Familial thoracic aortic aneurysm and aortic dissection. Last evaluated: 2024-03-05. Review status: criteria provided, single submitter. Criteria: ACMG Guidelines, 2015. Collection method: clinical testing. Allele origin: germline. Inheritance: Autosomal dominant inheritance. Observed: 1 variant allele, 1 heterozygote.
Comment: This study involves interpretation of variants in research participants for the purpose of population health screening. Participant phenotype was not available at the time of variant classification. Additional details can be found in publication PMID: 35346344, PMCID: PMC8962531

Institute of Human Genetics, University of Leipzig Medical Center
Classification: Uncertain significance for Aortic aneurysm, familial thoracic 4. Last evaluated: 2019-01-01. Review status: criteria provided, single submitter. Criteria: ACMG Guidelines, 2015. Collection method: clinical testing. Allele origin: unknown. Affected: yes.

NM_002474.3(MYH11):c.1241A>G (p.Lys414Arg)

Gene: MYH11 (myosin heavy chain 11; minus strand). Cytogenetic location: 16p13.11.
Variant type: single nucleotide variant.
Coding change: c.1241A>G on transcript NM_002474.3 (MANE Select); coding-DNA position 1241, A replaced by G.
Protein change: p.Lys414Arg; replaces lysine 414 with arginine.
Molecular consequence: missense variant.
Genome position (GRCh38, 1-based): chr16:15,760,547, T>C on the plus strand (A>G on the coding strand, the complement: MYH11 is on the minus strand). VCF-style: chr16-15760547-T-C. GRCh37 (hg19) VCF-style: chr16-15854404-T-C.
Other names: c.1241A>G (NM_002474.2); c.1262A>G, p.Lys421Arg (NM_001040113.2, NM_001040114.2); c.1241A>G, p.Lys414Arg (NM_022844.3); short protein forms K414R, K421R.
Identifiers: ClinVar variation 982843 (VCV000982843.6), dbSNP rs2041844901, ClinGen allele CA394872817.